The following is an entry in ClinVar:

NM_001429.4(EP300):c.6287A>G (p.Asn2096Ser)

Gene: EP300 (EP300 lysine acetyltransferase; plus strand). Cytogenetic location: 22q13.2.
Variant type: single nucleotide variant.
Coding change: c.6287A>G on transcript NM_001429.4 (MANE Select); coding-DNA position 6287, A replaced by G.
Protein change: p.Asn2096Ser; replaces asparagine 2096 with serine.
Molecular consequence: missense variant.
Genome position (GRCh38, 1-based): chr22:41,177,998, A>G. VCF-style: chr22-41177998-A-G. GRCh37 (hg19) VCF-style: chr22-41574002-A-G.
Other names: c.6209A>G, p.Asn2070Ser (NM_001362843.2); short protein forms N2070S, N2096S.
Identifiers: ClinVar variation 1387912 (VCV001387912.6), dbSNP rs1762014323, ClinGen allele CA411681489.

ClinVar aggregate classification (germline): Uncertain significance (1 of 4 stars; one submission).

Conditions:
Rubinstein-Taybi syndrome due to EP300 haploinsufficiency. Also called: RUBINSTEIN-TAYBI SYNDROME 2; EP300-Related Rubinstein-Taybi Syndrome. Identifiers: Orphanet 353284, Orphanet 783, MedGen C3150941, MONDO:0013364, OMIM 613684.

Allele frequency attached by ClinVar (database versions not stated): TOPMed below 0.00001.

Submission:

Labcorp Genetics (formerly Invitae), Labcorp
Classification: Uncertain significance for Rubinstein-Taybi syndrome due to EP300 haploinsufficiency. Last evaluated: 2022-03-02. Review status: criteria provided, single submitter. Criteria: Invitae Variant Classification Sherloc (09022015). Collection method: clinical testing. Allele origin: germline.
Comment: This sequence change replaces asparagine, which is neutral and polar, with serine, which is neutral and polar, at codon 2096 of the EP300 protein (p.Asn2096Ser). In summary, the available evidence is currently insufficient to determine the role of this variant in disease. Therefore, it has been classified as a Variant of Uncertain Significance. Algorithms developed to predict the effect of sequence changes on RNA splicing suggest that this variant may create or strengthen a splice site. Advanced modeling of protein sequence and biophysical properties (such as structural, functional, and spatial information, amino acid conservation, physicochemical variation, residue mobility, and thermodynamic stability) performed at Invitae indicates that this missense variant is not expected to disrupt EP300 protein function. This variant has not been reported in the literature in individuals affected with EP300-related conditions. This variant is not present in population databases (gnomAD no frequency).